The following is an entry in ClinVar:

NM_005546.4(ITK):c.1270dup (p.Val424fs)

Gene: ITK (IL2 inducible T cell kinase; plus strand). Cytogenetic location: 5q33.3.
Variant type: Duplication.
Coding change: c.1270dup on transcript NM_005546.4 (MANE Select); coding-DNA position 1270, one base duplicated (G; older notation c.1270dupG).
Protein change: p.Val424fs; shifts the reading frame from valine 424.
Molecular consequence: frameshift variant.
Genome position (GRCh38, 1-based): chr5:157,244,299, G duplicated; the last of 4 consecutive G bases (chr5:157,244,296-157,244,299); duplicating any one gives the same sequence. VCF-style (leftmost placement, unchanged base first): chr5-157244295-T-TG. GRCh37 (hg19) VCF-style: chr5-156671305-T-TG.
Other names: short protein forms V424fs.
Identifiers: ClinVar variation 5006865 (VCV005006865.2).

ClinVar aggregate classification (germline): Likely pathogenic (1 of 4 stars; one submission).

Conditions:
Lymphoproliferative syndrome 1 (LPFS1). Identifiers: Orphanet 238505, Orphanet 538963, MedGen C3552634, MONDO:0013081, OMIM 613011.

Submission:

Juno Genomics, Hangzhou Juno Genomics, Inc
Classification: Likely pathogenic for Lymphoproliferative syndrome 1. Review status: criteria provided, single submitter. Criteria: ACMG Guidelines, 2015. Collection method: clinical testing. Allele origin: germline.
Comment: Null variant in a gene where loss of function (LOF) is a known mechanism of disease.;Absent from controls (or at extremely low frequency if recessive) in Genome Aggregation Database.